The following is an entry in ClinVar:

NM_005560.6(LAMA5):c.10158G>T (p.Arg3386Ser)

Gene: LAMA5 (laminin subunit alpha 5; minus strand). Cytogenetic location: 20q13.33.
Variant type: single nucleotide variant.
Coding change: c.10158G>T on transcript NM_005560.6 (MANE Select); coding-DNA position 10158, G replaced by T.
Protein change: p.Arg3386Ser; replaces arginine 3386 with serine.
Molecular consequence: missense variant.
Genome position (GRCh38, 1-based): chr20:62,311,025, C>A on the plus strand (G>T on the coding strand, the complement: LAMA5 is on the minus strand). VCF-style: chr20-62311025-C-A. GRCh37 (hg19) VCF-style: chr20-60886081-C-A.
Other names: short protein forms R3386S.
Identifiers: ClinVar variation 2054568 (VCV002054568.4), dbSNP rs1986207498, ClinGen allele CA409538205.

ClinVar aggregate classification (germline): Uncertain significance (1 of 4 stars; one submission).

Submission:

Labcorp Genetics (formerly Invitae), Labcorp
Classification: Uncertain significance. Last evaluated: 2021-12-23. Review status: criteria provided, single submitter. Criteria: Invitae Variant Classification Sherloc (09022015). Collection method: clinical testing. Allele origin: germline.
Comment: This variant is not present in population databases (gnomAD no frequency). In summary, the available evidence is currently insufficient to determine the role of this variant in disease. Therefore, it has been classified as a Variant of Uncertain Significance. Algorithms developed to predict the effect of missense changes on protein structure and function output the following: SIFT: "Tolerated"; PolyPhen-2: "Benign"; Align-GVGD: "Class C0". The serine amino acid residue is found in multiple mammalian species, which suggests that this missense change does not adversely affect protein function. This variant has not been reported in the literature in individuals affected with LAMA5-related conditions. This sequence change replaces arginine, which is basic and polar, with serine, which is neutral and polar, at codon 3386 of the LAMA5 protein (p.Arg3386Ser).